The following is an entry in ClinVar:

ClinVar aggregate classification (germline): Pathogenic (1 of 4 stars; one submission).

Submission:

Labcorp Genetics (formerly Invitae), Labcorp
Classification: Pathogenic. Last evaluated: 2025-06-24. Review status: criteria provided, single submitter. Criteria: Invitae Variant Classification Sherloc (09022015). Collection method: clinical testing. Allele origin: germline.
Comment: This sequence change creates a premature translational stop signal (p.Leu144Glnfs*13) in the COL11A2 gene. It is expected to result in an absent or disrupted protein product. Loss-of-function variants in COL11A2 are known to be pathogenic (PMID: 10677296, 21204229). This variant is not present in population databases (gnomAD no frequency). This variant has not been reported in the literature in individuals affected with COL11A2-related conditions. For these reasons, this variant has been classified as Pathogenic.

Literature cited by the submitters: PubMed 10677296; PubMed 21204229.

NM_080680.3(COL11A2):c.431del (p.Leu144fs)

Gene: COL11A2 (collagen type XI alpha 2 chain; minus strand). Cytogenetic location: 6p21.32.
Variant type: Deletion.
Coding change: c.431del on transcript NM_080680.3 (MANE Select); coding-DNA position 431, one base deleted (T; older notation c.431delT).
Protein change: p.Leu144fs; shifts the reading frame from leucine 144.
Molecular consequence: frameshift variant. On other transcripts: 5 prime UTR variant (3), non-coding transcript variant (1).
Genome position (GRCh38, 1-based): chr6:33,188,990, A deleted on the plus strand (T on the coding strand, the reverse complement: COL11A2 is on the minus strand). VCF-style (leftmost placement, unchanged base first): chr6-33188989-TA-T. GRCh37 (hg19) VCF-style: chr6-33156766-TA-T.
Other names: c.431del, p.Leu144fs (NM_001163771.2, NM_001424108.1, NM_080679.3 and 1 more transcripts); c.-416del (NM_001424109.1, NM_001424110.1, NM_001424111.1); short protein forms L144fs.
Identifiers: ClinVar variation 4722073 (VCV004722073.1).
Genomic context (GRCh38, chr6:33,188,989, plus strand): 5'-TCCTCCTGAAAGTGTGGGCCAGGCAGACCAGAGGAGCAAACAAACTTACTTGCCATCTGC[TA>T]GGCTGAGGCCTCGGAAGACTGGCTGAGAGGGAGGTTGAGGCCGCCCAGTCTGGTCTTCAT-3'